The following is an entry in ClinVar:

NM_015175.3(NBEAL2):c.4188G>A (p.Arg1396=)

Gene: NBEAL2 (neurobeachin like 2; plus strand). Cytogenetic location: 3p21.31.
Variant type: single nucleotide variant.
Coding change: c.4188G>A on transcript NM_015175.3 (MANE Select); coding-DNA position 4188, G replaced by A.
Protein change: p.Arg1396=; no amino-acid change (arginine 1396 retained).
Molecular consequence: synonymous variant.
Genome position (GRCh38, 1-based): chr3:47,000,287, G>A. VCF-style: chr3-47000287-G-A. GRCh37 (hg19) VCF-style: chr3-47041777-G-A.
Other names: c.4086G>A, p.Arg1362= (NM_001365116.2).
Identifiers: ClinVar variation 3046982 (VCV003046982.2), dbSNP rs199842407, ClinGen allele CA2361166.

ClinVar aggregate classification (germline): Likely benign (0 of 4 stars; one submission).

Conditions:
NBEAL2-related disorder. Also called: NBEAL2-related condition.

Allele frequency attached by ClinVar (database versions not stated): gnomAD exomes 0.00004; ExAC 0.00007; ESP Exome Variant Server 0.00008; gnomAD 0.00023; TOPMed 0.00028; 1000 Genomes Project 30x 0.00062; 1000 Genomes Project 0.00080.
gnomAD v4.1: 111 of 1,612,622 alleles (0.0069%); highest among the groups gnomAD compares: African/African-American, 0.12%; 2 homozygotes.

Submission:

PreventionGenetics, part of Exact Sciences
Classification: Likely benign for NBEAL2-related condition. Last evaluated: 2019-03-22. Review status: no assertion criteria provided. Collection method: clinical testing. Allele origin: germline.
Comment: This variant is classified as likely benign based on ACMG/AMP sequence variant interpretation guidelines (Richards et al. 2015 PMID: 25741868, with internal and published modifications).